The following is an entry in ClinVar:

NM_015338.6(ASXL1):c.1687A>T (p.Thr563Ser)

Gene: ASXL1 (ASXL transcriptional regulator 1; plus strand). Cytogenetic location: 20q11.21.
Variant type: single nucleotide variant.
Coding change: c.1687A>T on transcript NM_015338.6 (MANE Select); coding-DNA position 1687, A replaced by T.
Protein change: p.Thr563Ser; replaces threonine 563 with serine.
Molecular consequence: missense variant.
Genome position (GRCh38, 1-based): chr20:32,433,885, A>T. VCF-style: chr20-32433885-A-T. GRCh37 (hg19) VCF-style: chr20-31021688-A-T.
Other names: c.1504A>T, p.Thr502Ser (NM_001363734.1); short protein forms T563S, T502S.
Identifiers: ClinVar variation 4158289 (VCV004158289.1).
Genomic context (GRCh38, chr20:32,433,885, plus strand): 5'-GAAGATCGTCAGTCCTTTCGTAACACAATTGAAAGTGTTCACACCGAAAAGCCACAGCCC[A>T]CTAAAGAGGAGCCCAAAGTCCCGCCCATCCGGGTAGGAGACTGTTTGATTCCTGGCTGCC-3'
Protein context (NP_056153.2, residues 553-573): ESVHTEKPQP[Thr563Ser]KEEPKVPPIR

ClinVar aggregate classification (germline): Uncertain significance (1 of 4 stars; one submission).

Conditions:
Inborn genetic diseases. Identifiers: MedGen C0950123, MeSH D030342.

Submission:

Ambry Genetics
Classification: Uncertain significance for Inborn genetic diseases. Last evaluated: 2025-07-18. Review status: criteria provided, single submitter. Criteria: Ambry Variant Classification Scheme 2023. Collection method: clinical testing. Allele origin: germline.
Comment: The p.T563S variant (also known as c.1687A>T), located in coding exon 12 of the ASXL1 gene, results from an A to T substitution at nucleotide position 1687. The threonine at codon 563 is replaced by serine, an amino acid with similar properties. This amino acid position is conserved. In addition, this alteration is predicted to be tolerated by in silico analysis. Based on the available evidence, the clinical significance of this variant remains unclear.